The following is an entry in ClinVar:

ClinVar aggregate classification (germline): Pathogenic (1 of 4 stars; one submission).

Submission:

Labcorp Genetics (formerly Invitae), Labcorp
Classification: Pathogenic. Last evaluated: 2025-12-09. Review status: criteria provided, single submitter. Criteria: Invitae Variant Classification Sherloc (09022015). Collection method: clinical testing. Allele origin: germline.
Comment: This sequence change is expected to alter the c-terminus of the TSPEAR protein (p.Asp607Glyfs*87). While this is not anticipated to result in nonsense mediated decay, it is expected to disrupt the last 63 amino acid(s) of the TSPEAR protein and extend the protein by 23 additional amino acid residues. This variant is present in population databases (no rsID available, gnomAD 0.01%). This variant has not been reported in the literature in individuals affected with TSPEAR-related conditions. ClinVar contains an entry for this variant (Variation ID: 3679165). This variant disrupts a region of the TSPEAR protein in which other variant(s) (p.Phe626Ser) have been determined to be pathogenic (PMID: 30046887; internal data). This suggests that this is a clinically significant region of the protein, and that variants that disrupt it are likely to be disease-causing. For these reasons, this variant has been classified as Pathogenic.

Literature cited by the submitters: PubMed 30046887.

NM_144991.3(TSPEAR):c.1819dup (p.Asp607fs)

Gene: TSPEAR (thrombospondin type laminin G domain and EAR repeats; minus strand). Cytogenetic location: 21q22.3.
Variant type: Duplication.
Coding change: c.1819dup on transcript NM_144991.3 (MANE Select); coding-DNA position 1819, one base duplicated (G; older notation c.1819dupG).
Protein change: p.Asp607fs; shifts the reading frame from aspartic acid 607.
Molecular consequence: frameshift variant.
Genome position (GRCh38, 1-based): chr21:44,504,817, C duplicated on the plus strand (G on the coding strand, the reverse complement: TSPEAR is on the minus strand). VCF-style (leftmost placement, unchanged base first): chr21-44504816-T-TC. GRCh37 (hg19) VCF-style: chr21-45924699-T-TC.
Other names: c.1615dup, p.Asp539fs (NM_001272037.2); short protein forms D539fs, D607fs.
Identifiers: ClinVar variation 3679165 (VCV003679165.2).